The following is an entry in ClinVar:

ClinVar aggregate classification (germline): Pathogenic. Review status: criteria provided, single submitter (1 of 4 stars). 2 submissions from 2 submitters: Pathogenic (1). 1 of the submissions does not count toward it. Last evaluated 2021-05-31.

Conditions:
Pulmonary hypertension, primary, 1 (PPH1). Also called: Pulmonary hypertension, familial primary, 1, with or without HHT. Identifiers: Orphanet 422, MedGen C4552070, MONDO:0024533, OMIM 178600.
Primary pulmonary hypertension. Also called: Idiopathic pulmonary hypertension. Identifiers: MedGen C0152171.

Submissions (2):

Labcorp Genetics (formerly Invitae), Labcorp
Classification: Pathogenic for Primary pulmonary hypertension. Last evaluated: 2021-05-31. Review status: criteria provided, single submitter. Criteria: Invitae Variant Classification Sherloc (09022015). Collection method: clinical testing. Allele origin: germline.
Comment: For these reasons, this variant has been classified as Pathogenic. This variant has been observed in individual(s) referred for a possible indication of pulmonary arterial hypertension (PMID: 26387786). ClinVar contains an entry for this variant (Variation ID: 425847). This variant is not present in population databases (ExAC no frequency). This sequence change creates a premature translational stop signal (p.Arg321Glufs*14) in the BMPR2 gene. It is expected to result in an absent or disrupted protein product. Loss-of-function variants in BMPR2 are known to be pathogenic (PMID: 16429395).

Rare Disease Genomics Group, St George's University of London
Classification: Pathogenic for Primary pulmonary hypertension. Review status: no assertion criteria provided. Collection method: literature only. Allele origin: germline. Affected: yes. Not counted in ClinVar's aggregate classification.

Literature cited by the submitters: PubMed 26387786 (cited by Labcorp Genetics (formerly Invitae), Labcorp and Rare Disease Genomics Group, St George's University of London); PubMed 16429395 (cited by Labcorp Genetics (formerly Invitae), Labcorp).

NM_001204.7(BMPR2):c.961del (p.Arg321fs)

Gene: BMPR2 (bone morphogenetic protein receptor type 2; plus strand). Cytogenetic location: 2q33.2.
Variant type: Deletion.
Coding change: c.961del on transcript NM_001204.7 (MANE Select); coding-DNA position 961, one base deleted (C; older notation c.961delC).
Protein change: p.Arg321fs; shifts the reading frame from arginine 321.
Molecular consequence: frameshift variant.
Genome position (GRCh38, 1-based): chr2:202,520,195, C deleted. VCF-style (leftmost placement, unchanged base first): chr2-202520194-AC-A. GRCh37 (hg19) VCF-style: chr2-203384917-AC-A.
Other names: c.961del, p.R321Efs*14 (LRG_712t1); short protein forms R321fs.
Identifiers: ClinVar variation 425847 (VCV000425847.7), dbSNP rs1085307276, ClinGen allele CA645293984.